The following is an entry in ClinVar:

NM_138694.4(PKHD1):c.10883C>G (p.Thr3628Ser)

Gene: PKHD1 (PKHD1 ciliary IPT domain containing fibrocystin/polyductin; minus strand). Cytogenetic location: 6p12.3.
Variant type: single nucleotide variant.
Coding change: c.10883C>G on transcript NM_138694.4 (MANE Select); coding-DNA position 10883, C replaced by G.
Protein change: p.Thr3628Ser; replaces threonine 3628 with serine.
Molecular consequence: missense variant.
Genome position (GRCh38, 1-based): chr6:51,659,243, G>C on the plus strand (C>G on the coding strand, the complement: PKHD1 is on the minus strand). VCF-style: chr6-51659243-G-C. GRCh37 (hg19) VCF-style: chr6-51524041-G-C.
Other names: c.10883C>G (NM_138694.3); short protein forms T3628S.
Identifiers: ClinVar variation 1928108 (VCV001928108.8), dbSNP rs147700643, ClinGen allele CA3850997.

ClinVar aggregate classification (germline): Conflicting classifications of pathogenicity. Review status: criteria provided, conflicting classifications (1 of 4 stars). 4 submissions from 4 submitters: Uncertain significance (3); Likely benign (1). Last evaluated 2026-02-02.

Conditions:
PKHD1-related disorder. Also called: PKHD1-related condition.
Polycystic kidney disease 4 (PKD4). Also called: POLYCYSTIC KIDNEY AND HEPATIC DISEASE 1; POLYCYSTIC KIDNEY DISEASE, INFANTILE, TYPE I; POLYCYSTIC KIDNEY DISEASE 4 WITH OR WITHOUT POLYCYSTIC LIVER DISEASE; PKD3; Autosomal Recessive Polycystic Kidney Disease – PKHD1. Identifiers: MedGen C4540575, MONDO:0033004, OMIM 263200.
Inborn genetic diseases. Identifiers: MedGen C0950123, MeSH D030342.
Autosomal recessive polycystic kidney disease (ARPKD). Also called: AR polycystic kidney disease. Identifiers: Orphanet 731, Orphanet 8378, MedGen C0085548, MeSH D017044, MONDO:0009889.

Allele frequency attached by ClinVar (database versions not stated): ESP Exome Variant Server 0.00015; 1000 Genomes Project 30x 0.00016.
gnomAD v4.1: 44 of 1,613,856 alleles (0.0027%); highest among the groups gnomAD compares: African/African-American, 0.057%; no homozygotes.

Submissions (4):

PreventionGenetics, part of Exact Sciences
Classification: Uncertain significance for PKHD1-related condition. Last evaluated: 2026-02-02. Review status: criteria provided, single submitter. Criteria: ACMG Guidelines, 2015. Collection method: clinical testing. Allele origin: germline.
Comment: The PKHD1 c.10883C>G variant is predicted to result in the amino acid substitution p.Thr3628Ser. To our knowledge, this variant has not been reported in the literature. This variant is reported in 0.060% of alleles in individuals of African descent in gnomAD. Although we suspect that this variant may be benign, at this time, the clinical significance of this variant is uncertain due to the absence of conclusive functional and genetic evidence.

Ambry Genetics
Classification: Uncertain significance for Inborn genetic diseases. Last evaluated: 2025-01-19. Review status: criteria provided, single submitter. Criteria: Ambry Variant Classification Scheme 2023. Collection method: clinical testing. Allele origin: germline.

Fulgent Genetics
Classification: Uncertain significance for Polycystic kidney disease 4. Last evaluated: 2024-05-16. Review status: criteria provided, single submitter. Criteria: ACMG Guidelines, 2015. Collection method: clinical testing. Allele origin: germline.

Labcorp Genetics (formerly Invitae), Labcorp
Classification: Likely benign for Autosomal recessive polycystic kidney disease. Last evaluated: 2024-02-13. Review status: criteria provided, single submitter. Criteria: Invitae Variant Classification Sherloc (09022015). Collection method: clinical testing. Allele origin: germline.